The following is an entry in ClinVar:

NM_198578.4(LRRK2):c.188C>T (p.Pro63Leu)

Gene: LRRK2 (leucine rich repeat kinase 2; plus strand). Cytogenetic location: 12q12.
Variant type: single nucleotide variant.
Coding change: c.188C>T on transcript NM_198578.4 (MANE Select); coding-DNA position 188, C replaced by T.
Protein change: p.Pro63Leu; replaces proline 63 with leucine.
Molecular consequence: missense variant.
Genome position (GRCh38, 1-based): chr12:40,225,591, C>T. VCF-style: chr12-40225591-C-T. GRCh37 (hg19) VCF-style: chr12-40619393-C-T.
Other names: short protein forms P63L.
Identifiers: ClinVar variation 1782046 (VCV001782046.15), dbSNP rs2499335926, ClinGen allele CA384399165.

ClinVar aggregate classification (germline): Uncertain significance. Review status: criteria provided, multiple submitters, no conflicts (2 of 4 stars). 2 submissions from 2 submitters: Uncertain significance (2). Last evaluated 2026-05-01.

Conditions:
Inborn genetic diseases. Identifiers: MedGen C0950123, MeSH D030342.

Allele frequency attached by ClinVar (database versions not stated): gnomAD exomes 0.00001.
gnomAD v4.1: 10 of 1,614,096 alleles (0.00062%); highest among the groups gnomAD compares: Non-Finnish European, 0.00076%; no homozygotes.

Submissions (2):

CeGaT Center for Human Genetics Tuebingen
Classification: Uncertain significance. Last evaluated: 2026-05-01. Review status: criteria provided, single submitter. Criteria: CeGaT Center For Human Genetics Tuebingen Variant Classification Criteria Version 2. Collection method: clinical testing. Allele origin: germline. Affected: yes. Observed: 2 variant alleles.
Comment: LRRK2: PM2, BP4

Ambry Genetics
Classification: Uncertain significance for Inborn genetic diseases. Last evaluated: 2022-05-18. Review status: criteria provided, single submitter. Criteria: Ambry Variant Classification Scheme 2023. Collection method: clinical testing. Allele origin: germline.
Comment: The p.P63L variant (also known as c.188C>T), located in coding exon 2 of the LRRK2 gene, results from a C to T substitution at nucleotide position 188. The proline at codon 63 is replaced by leucine, an amino acid with similar properties. This amino acid position is conserved. In addition, the in silico prediction for this alteration is inconclusive. Since supporting evidence is limited at this time, the clinical significance of this alteration remains unclear.